The following is an entry in ClinVar:

ClinVar aggregate classification (germline): Uncertain significance (1 of 4 stars; one submission).

Conditions:
Congenital hypothyroidism. Identifiers: Orphanet 442, MedGen C0010308, MONDO:0018612, HP:0000851.

Submission:

Cambridge Genomics Laboratory, East Genomic Laboratory Hub, NHS Genomic Medicine Service
Classification: Uncertain significance for Congenital hypothyroidism. Last evaluated: 2024-11-13. Review status: criteria provided, single submitter. Criteria: ACGS Best Practice Guidelines for Variant Classification in Rare Disease 2020. Collection method: clinical testing. Allele origin: germline. Affected: yes.
Comment: PM2

NM_005647.4(TBL1X):c.216T>A (p.Phe72Leu)

Gene: TBL1X (transducin beta like 1 X-linked; plus strand). Cytogenetic location: Xp22.2.
Variant type: single nucleotide variant.
Coding change: c.216T>A on transcript NM_005647.4 (MANE Select); coding-DNA position 216, T replaced by A.
Protein change: p.Phe72Leu; replaces phenylalanine 72 with leucine.
Molecular consequence: missense variant.
Genome position (GRCh38, 1-based): chrX:9,684,047, T>A. VCF-style: chrX-9684047-T-A. GRCh37 (hg19) VCF-style: chrX-9652087-T-A.
Other names: c.216T>A, p.Phe72Leu (NM_001139466.1); c.63T>A, p.Phe21Leu (NM_001139467.1, NM_001139468.1); short protein forms F21L, F72L.
Identifiers: ClinVar variation 4682125 (VCV004682125.1).